The following is an entry in ClinVar:

ClinVar aggregate classification (germline): Pathogenic (1 of 4 stars; one submission).

Conditions:
Tuberous sclerosis 2 (TSC2). Identifiers: Orphanet 805, MedGen C1860707, MONDO:0013199, OMIM 613254.

Submission:

Labcorp Genetics (formerly Invitae), Labcorp
Classification: Pathogenic for Tuberous sclerosis 2. Last evaluated: 2023-11-10. Review status: criteria provided, single submitter. Criteria: Invitae Variant Classification Sherloc (09022015). Collection method: clinical testing. Allele origin: germline.
Comment: This sequence change creates a premature translational stop signal (p.Asp624Thrfs*74) in the TSC2 gene. It is expected to result in an absent or disrupted protein product. Loss-of-function variants in TSC2 are known to be pathogenic (PMID: 10205261, 17304050). This variant is not present in population databases (gnomAD no frequency). This variant has not been reported in the literature in individuals affected with TSC2-related conditions. For these reasons, this variant has been classified as Pathogenic.

Literature cited by the submitters: PubMed 10205261; PubMed 17304050.

NM_000548.5(TSC2):c.1869del (p.Asp624fs)

Gene: TSC2 (TSC complex subunit 2; plus strand). Cytogenetic location: 16p13.3.
Variant type: Deletion.
Coding change: c.1869del on transcript NM_000548.5 (MANE Select); coding-DNA position 1869, one base deleted (C; older notation c.1869delC).
Protein change: p.Asp624fs; shifts the reading frame from aspartic acid 624.
Molecular consequence: frameshift variant. On other transcripts: non-coding transcript variant (5).
Genome position (GRCh38, 1-based): chr16:2,071,539, C deleted; the last of 2 consecutive C bases (chr16:2,071,538-2,071,539); deleting either gives the same sequence. VCF-style (leftmost placement, unchanged base first): chr16-2071537-GC-G. GRCh37 (hg19) VCF-style: chr16-2121538-GC-G.
Other names: c.1869del, p.Asp624fs (NM_001077183.3, NM_001114382.3, NM_001363528.2 and 6 more transcripts); c.1758del, p.Asp587fs (NM_001318827.2, NM_001406670.1, NM_001406678.1); c.1722del, p.Asp575fs (NM_001318829.2, NM_001406675.1, NM_001406676.1 and 1 more transcripts); c.1269del, p.Asp424fs (NM_001318831.2, NM_001406680.1, NM_001406682.1 and 6 more transcripts); c.1902del, p.Asp635fs (NM_001318832.2); c.1959del, p.Asp654fs (NM_001406667.1, NM_001406668.1); c.1857del, p.Asp620fs (NM_001406671.1, NM_001406673.1); c.1812del, p.Asp605fs (NM_001406677.1); and 3 more; short protein forms D176fs, D424fs, D470fs, D624fs, D575fs, D635fs, D654fs, D605fs.
Identifiers: ClinVar variation 2802312 (VCV002802312.3), dbSNP rs2543674382, ClinGen allele CA2739269885.